The following is an entry in ClinVar:

NM_005876.5(SPEG):c.3564T>G (p.Pro1188=)

Gene: SPEG (striated muscle enriched protein kinase; plus strand). Cytogenetic location: 2q35.
Variant type: single nucleotide variant.
Coding change: c.3564T>G on transcript NM_005876.5 (MANE Select); coding-DNA position 3564, T replaced by G.
Protein change: p.Pro1188=; no amino-acid change (proline 1188 retained).
Molecular consequence: synonymous variant.
Genome position (GRCh38, 1-based): chr2:219,469,228, T>G. VCF-style: chr2-219469228-T-G. GRCh37 (hg19) VCF-style: chr2-220333950-T-G.
Identifiers: ClinVar variation 739593 (VCV000739593.12), dbSNP rs10167209, ClinGen allele CA2126213.

ClinVar aggregate classification (germline): Likely benign. Review status: criteria provided, multiple submitters, no conflicts (2 of 4 stars). 3 submissions from 3 submitters: Likely benign (2). 1 of the submissions does not count toward it. Last evaluated 2026-01-15.

Conditions:
SPEG-related disorder. Also called: SPEG-related condition.

gnomAD v4.1: 761 of 1,613,804 alleles (0.047%); highest among the groups gnomAD compares: Non-Finnish European, 0.062%; 1 homozygote.

Submissions (3):

Labcorp Genetics (formerly Invitae), Labcorp
Classification: Likely benign. Last evaluated: 2026-01-15. Review status: criteria provided, single submitter. Criteria: Invitae Variant Classification Sherloc (09022015). Collection method: clinical testing. Allele origin: germline.

Blueprint Genetics
Classification: Likely benign. Last evaluated: 2022-07-21. Review status: criteria provided, single submitter. Criteria: ACMG Guidelines, 2015. Collection method: clinical testing. Allele origin: germline.

PreventionGenetics, part of Exact Sciences
Classification: Likely benign for SPEG-related condition. Last evaluated: 2023-08-15. Review status: no assertion criteria provided. Collection method: clinical testing. Allele origin: germline. Not counted in ClinVar's aggregate classification.
Comment: This variant is classified as likely benign based on ACMG/AMP sequence variant interpretation guidelines (Richards et al. 2015 PMID: 25741868, with internal and published modifications).